The following is an entry in ClinVar:

NM_001267550.2(TTN):c.105220G>C (p.Glu35074Gln)

Genes: TTN (titin; minus strand), TTN-AS1 (TTN antisense RNA 1; plus strand). Cytogenetic location: 2q31.2.
Variant type: single nucleotide variant.
Coding change: c.105220G>C on transcript NM_001267550.2 (MANE Select); coding-DNA position 105220, G replaced by C.
Protein change: p.Glu35074Gln; replaces glutamic acid 35074 with glutamine.
Molecular consequence: missense variant.
Genome position (GRCh38, 1-based): chr2:178,531,395, C>G on the plus strand (G>C on the coding strand, the complement: TTN is on the minus strand). VCF-style: chr2-178531395-C-G. GRCh37 (hg19) VCF-style: chr2-179396122-C-G.
Other names: c.100297G>C, p.Glu33433Gln (NM_001256850.1); c.78025G>C, p.Glu26009Gln (NM_003319.4); c.97516G>C, p.Glu32506Gln (NM_133378.4); c.78400G>C, p.Glu26134Gln (NM_133432.3); c.78601G>C, p.Glu26201Gln (NM_133437.4); short protein forms E26009Q, E26201Q, E35074Q, E33433Q, E26134Q, E32506Q.
Identifiers: ClinVar variation 1990083 (VCV001990083.4), dbSNP rs777819401, ClinGen allele CA349409236.

ClinVar aggregate classification (germline): Uncertain significance (1 of 4 stars; one submission).

Conditions:
Dilated cardiomyopathy 1G (CMD1G). Identifiers: Orphanet 154, MedGen C1858763, MONDO:0011400, OMIM 604145.
Autosomal recessive limb-girdle muscular dystrophy type 2J (LGMDR10). Also called: Limb-girdle muscular dystrophy, type 2J; MUSCULAR DYSTROPHY, LIMB-GIRDLE, AUTOSOMAL RECESSIVE 10. Identifiers: Orphanet 140922, MedGen C1837342, MONDO:0012127, OMIM 608807.

Allele frequency attached by ClinVar (database versions not stated): gnomAD 0.00001.
gnomAD v4.1: 1 of 1,613,946 alleles (0.000062%); highest among the groups gnomAD compares: African/African-American, 0.0013%; no homozygotes.

Submission:

Labcorp Genetics (formerly Invitae), Labcorp
Classification: Uncertain significance for Dilated cardiomyopathy 1G; Autosomal recessive limb-girdle muscular dystrophy type 2J. Last evaluated: 2022-05-18. Review status: criteria provided, single submitter. Criteria: Invitae Variant Classification Sherloc (09022015). Collection method: clinical testing. Allele origin: germline.
Comment: This sequence change replaces glutamic acid, which is acidic and polar, with glutamine, which is neutral and polar, at codon 35074 of the TTN protein (p.Glu35074Gln). This variant is not present in population databases (gnomAD no frequency). This variant has not been reported in the literature in individuals affected with TTN-related conditions. Experimental studies and prediction algorithms are not available or were not evaluated, and the functional significance of this variant is currently unknown. In summary, the available evidence is currently insufficient to determine the role of this variant in disease. Therefore, it has been classified as a Variant of Uncertain Significance.